The following is an entry in ClinVar:

ClinVar aggregate classification (germline): Pathogenic (1 of 4 stars; one submission).

Conditions:
Choroideremia. Also called: Chorioretinal scalloped atrophy. Identifiers: Orphanet 180, MedGen C0008525, MONDO:0010557, OMIM 303100, HP:0001139.

Submission:

Myriad Genetics, Inc.
Classification: Pathogenic for Choroideremia. Last evaluated: 2026-02-19. Review status: criteria provided, single submitter. Criteria: Myriad Autosomal Dominant, Autosomal Recessive and X-Linked Classification Criteria (2023). Collection method: clinical testing. Allele origin: unknown.
Comment: NM_000390.2(CHM):c.1079delA(N360Tfs*49) is a frameshift variant classified as pathogenic in the context of X-linked choroideremia. N360Tfs*49 has been observed in cases with relevant disease (PMID: 23811034, 32985515). Relevant functional assessments of this variant are not available in the literature. N360Tfs*49 has not been observed in referenced population frequency databases. In summary, NM_000390.2(CHM):c.1079delA(N360Tfs*49) is a frameshift variant in a gene where loss of function is a known mechanism of disease, is predicted to disrupt protein function, and has been observed more frequently in cases with the relevant disease than in healthy populations. Please note: this variant was assessed in the context of healthy population screening.

Literature cited by the submitters: PubMed 23811034; PubMed 32985515.

NM_000390.4(CHM):c.1079del (p.Asn360fs)

Gene: CHM (CHM Rab escort protein; minus strand). Cytogenetic location: Xq21.2.
Variant type: Deletion.
Coding change: c.1079del on transcript NM_000390.4 (MANE Select); coding-DNA position 1079, one base deleted (A; older notation c.1079delA).
Protein change: p.Asn360fs; shifts the reading frame from asparagine 360.
Molecular consequence: frameshift variant.
Genome position (GRCh38, 1-based): chrX:85,956,240, T deleted on the plus strand (A on the coding strand, the reverse complement: CHM is on the minus strand); the first of 5 consecutive T bases (chrX:85,956,240-85,956,244); deleting any one gives the same sequence. VCF-style (leftmost placement, unchanged base first): chrX-85956239-GT-G. GRCh37 (hg19) VCF-style: chrX-85211244-GT-G.
Other names: c.635del, p.Asn212fs (NM_001320959.1, NM_001362517.1, NM_001362518.2 and 1 more transcripts); short protein forms N360fs, N212fs.
Identifiers: ClinVar variation 5004928 (VCV005004928.1).